The following is an entry in ClinVar:

NM_198578.4(LRRK2):c.2134A>G (p.Met712Val)

Gene: LRRK2 (leucine rich repeat kinase 2; plus strand). Cytogenetic location: 12q12.
Variant type: single nucleotide variant.
Coding change: c.2134A>G on transcript NM_198578.4 (MANE Select); coding-DNA position 2134, A replaced by G.
Protein change: p.Met712Val; replaces methionine 712 with valine.
Molecular consequence: missense variant.
Genome position (GRCh38, 1-based): chr12:40,278,154, A>G. VCF-style: chr12-40278154-A-G. GRCh37 (hg19) VCF-style: chr12-40671956-A-G.
Other names: short protein forms M712V.
Identifiers: ClinVar variation 39144 (VCV000039144.5), dbSNP rs199566791, ClinGen allele CA343499.

ClinVar aggregate classification (germline): Uncertain significance. Review status: criteria provided, single submitter (1 of 4 stars). 2 submissions from 2 submitters: Uncertain significance (1). 1 of the submissions does not count toward it. Last evaluated 2022-04-18.

Conditions:
Autosomal dominant Parkinson disease 8. Also called: LRRK2-Related Parkinson Disease; Parkinson disease 8; Parkinson disease 8, susceptibility to. Identifiers: Orphanet 411602, MedGen C1846862, MONDO:0011764, OMIM 607060.

Allele frequency attached by ClinVar (database versions not stated): gnomAD exomes below 0.00001.
gnomAD v4.1: 1 of 1,614,136 alleles (0.000062%); highest among the groups gnomAD compares: Admixed American, 0.0017%; no homozygotes.

Submissions (2):

GeneDx
Classification: Uncertain significance. Last evaluated: 2022-04-18. Review status: criteria provided, single submitter. Criteria: GeneDx Variant Classification Process June 2021. Collection method: clinical testing. Allele origin: germline. Affected: yes.
Comment: Identified in a patient with Parkinson disease with unknown family history in the published literature (Paisan-Ruiz et al., 2008); Variant showed reduced Ser910/Ser935 phosphorylation and 14-3-3 binding, and ability of this variant to interact weakly with 14-3-3 isoforms may prevent their accumulation within cytoplasmic pools (Nichols et al., 2010); Not observed at significant frequency in large population cohorts (gnomAD); In silico analysis supports that this missense variant does not alter protein structure/function; This variant is associated with the following publications: (PMID: 21885347, 22988870, 24488318, 19800393, 24470158, 19489756, 18973807, 20301387, 18213618, 20642453)

GeneReviews
No classification provided. Condition: Autosomal dominant Parkinson disease 8. Review status: no classification provided. Collection method: literature only. Allele origin: unknown. Not counted in ClinVar's aggregate classification.

Literature cited by the submitters: PubMed 20301387 (cited by GeneReviews); NCBI Bookshelf NBK1208 (cited by GeneReviews).